The following is an entry in ClinVar:

ClinVar aggregate classification (germline): Conflicting classifications of pathogenicity. Review status: criteria provided, conflicting classifications (1 of 4 stars). 2 submissions from 2 submitters: Uncertain significance (1); Likely benign (1). Last evaluated 2025-09-24.

Conditions:
Inborn genetic diseases. Identifiers: MedGen C0950123, MeSH D030342.

Allele frequency attached by ClinVar (database versions not stated): gnomAD exomes 0.00008; ExAC 0.00011; TOPMed 0.00009; gnomAD 0.00009; 1000 Genomes Project 0.00020; 1000 Genomes Project 30x 0.00031.
gnomAD v4.1: 129 of 1,585,064 alleles (0.0081%); highest among the groups gnomAD compares: East Asian, 0.036%; no homozygotes.

Submissions (2):

Labcorp Genetics (formerly Invitae), Labcorp
Classification: Uncertain significance. Last evaluated: 2025-09-24. Review status: criteria provided, single submitter. Criteria: Invitae Variant Classification Sherloc (09022015). Collection method: clinical testing. Allele origin: germline.
Comment: This sequence change replaces arginine, which is basic and polar, with cysteine, which is neutral and slightly polar, at codon 28 of the SLC26A1 protein (p.Arg28Cys). This variant is present in population databases (rs566030346, gnomAD 0.05%). This variant has not been reported in the literature in individuals affected with SLC26A1-related conditions. ClinVar contains an entry for this variant (Variation ID: 3163826). An algorithm developed to predict the effect of missense changes on protein structure and function outputs the following: PolyPhen-2: "Benign". The cysteine amino acid residue is found in multiple mammalian species, which suggests that this missense change does not adversely affect protein function. In summary, the available evidence is currently insufficient to determine the role of this variant in disease. Therefore, it has been classified as a Variant of Uncertain Significance.

Ambry Genetics
Classification: Likely benign for Inborn genetic diseases. Last evaluated: 2023-12-30. Review status: criteria provided, single submitter. Criteria: Ambry Variant Classification Scheme 2023. Collection method: clinical testing. Allele origin: germline.

NM_022042.4(SLC26A1):c.82C>T (p.Arg28Cys)

Genes: IDUA (alpha-L-iduronidase; plus strand), SLC26A1 (solute carrier family 26 member 1; minus strand). Cytogenetic location: 4p16.3.
Variant type: single nucleotide variant.
Coding change: c.82C>T on transcript NM_022042.4 (MANE Select); coding-DNA position 82, C replaced by T.
Protein change: p.Arg28Cys; replaces arginine 28 with cysteine.
Molecular consequence: missense variant. On other transcripts: intron variant (1).
Genome position (GRCh38, 1-based): chr4:991,622, G>A on the plus strand (C>T on the coding strand, the complement: SLC26A1 is on the minus strand). VCF-style: chr4-991622-G-A. GRCh37 (hg19) VCF-style: chr4-985410-G-A.
Other names: c.82C>T, p.Arg28Cys (NM_134425.4, NM_213613.4); c.299+3673G>A (NM_000203.5); short protein forms R28C.
Identifiers: ClinVar variation 3163826 (VCV003163826.3), dbSNP rs566030346, ClinGen allele CA2801776.